The following is an entry in ClinVar:

NM_001323289.2(CDKL5):c.64+3A>G

Gene: CDKL5 (cyclin dependent kinase like 5; plus strand). Cytogenetic location: Xp22.13.
Variant type: single nucleotide variant.
Coding change: c.64+3A>G on transcript NM_001323289.2 (MANE Select); 3 bases into the intron after coding-DNA position 64, A replaced by G.
Molecular consequence: intron variant.
Genome position (GRCh38, 1-based): chrX:18,507,163, A>G. VCF-style: chrX-18507163-A-G. GRCh37 (hg19) VCF-style: chrX-18525283-A-G.
Other names: c.64+3A>G (NM_003159.3, NM_001037343.2).
Identifiers: ClinVar variation 2926301 (VCV002926301.3), dbSNP rs775504546, ClinGen allele CA10360172.
Genomic context (GRCh38, chrX:18,507,163, plus strand): 5'-ATTCCTAACATTGGTAATGTGATGAATAAATTTGAGATCCTTGGGGTTGTAGGTGAAGGT[A>G]AGTTGGAATTTTTGCGTTCCTTGAGTTTTGAGCAATGAACAGTTAGTTATTCCTACCACC-3'

ClinVar aggregate classification (germline): Uncertain significance (1 of 4 stars; one submission).

Conditions:
Developmental and epileptic encephalopathy, 2 (DEE2). Also called: INFANTILE SPASM SYNDROME, X-LINKED 2; CDKL5 deficiency disorder. Identifiers: Orphanet 1934, Orphanet 3451, Orphanet 505652, MedGen C4750718, MONDO:0010396, OMIM 300672.
Angelman syndrome-like. Identifiers: MedGen CN128785.

Allele frequency attached by ClinVar (database versions not stated): gnomAD exomes below 0.00001; ExAC 0.00001.
gnomAD v4.1: 1 of 1,178,109 alleles (0.000085%); highest among the groups gnomAD compares: Non-Finnish European, 0.00012%; no homozygotes.

Submission:

Labcorp Genetics (formerly Invitae), Labcorp
Classification: Uncertain significance for Developmental and epileptic encephalopathy, 2; Angelman syndrome-like. Last evaluated: 2023-10-17. Review status: criteria provided, single submitter. Criteria: Invitae Variant Classification Sherloc (09022015). Collection method: clinical testing. Allele origin: germline.
Comment: This sequence change falls in intron 2 of the CDKL5 gene. It does not directly change the encoded amino acid sequence of the CDKL5 protein. It affects a nucleotide within the consensus splice site. This variant is present in population databases (rs775504546, gnomAD 0.001%), including at least one homozygous and/or hemizygous individual. This variant has not been reported in the literature in individuals affected with CDKL5-related conditions. Variants that disrupt the consensus splice site are a relatively common cause of aberrant splicing (PMID: 17576681, 9536098). Algorithms developed to predict the effect of sequence changes on RNA splicing suggest that this variant may create or strengthen a splice site. In summary, the available evidence is currently insufficient to determine the role of this variant in disease. Therefore, it has been classified as a Variant of Uncertain Significance.

Literature cited by the submitters: PubMed 17576681; PubMed 9536098.